The following is an entry in ClinVar:

NM_001267550.2(TTN):c.63114C>A (p.Val21038=)

Genes: TTN-AS1 (TTN antisense RNA 1; plus strand), TTN (titin; minus strand). Cytogenetic location: 2q31.2.
Variant type: single nucleotide variant.
Coding change: c.63114C>A on transcript NM_001267550.2 (MANE Select); coding-DNA position 63114, C replaced by A.
Protein change: p.Val21038=; no amino-acid change (valine 21038 retained).
Molecular consequence: synonymous variant.
Genome position (GRCh38, 1-based): chr2:178,588,611, G>T on the plus strand (C>A on the coding strand, the complement: TTN is on the minus strand). VCF-style: chr2-178588611-G-T. GRCh37 (hg19) VCF-style: chr2-179453338-G-T.
Other names: c.55410C>A, p.Val18470= (NM_133378.4); c.58191C>A, p.Val19397= (NM_001256850.1); c.35919C>A, p.Val11973= (NM_003319.4); c.36294C>A, p.Val12098= (NM_133432.3); c.36495C>A, p.Val12165= (NM_133437.4).
Identifiers: ClinVar variation 47190 (VCV000047190.10), dbSNP rs201642579, ClinGen allele CA140268.

ClinVar aggregate classification (germline): Likely benign. Review status: criteria provided, multiple submitters, no conflicts (2 of 4 stars). 4 submissions from 4 submitters: Likely benign (4). Last evaluated 2026-04-14.

Conditions:
Cardiovascular phenotype. Identifiers: MedGen CN230736.
Autosomal recessive limb-girdle muscular dystrophy type 2J (LGMDR10). Also called: Limb-girdle muscular dystrophy, type 2J; MUSCULAR DYSTROPHY, LIMB-GIRDLE, AUTOSOMAL RECESSIVE 10. Identifiers: Orphanet 140922, MedGen C1837342, MONDO:0012127, OMIM 608807.
Dilated cardiomyopathy 1G (CMD1G). Identifiers: Orphanet 154, MedGen C1858763, MONDO:0011400, OMIM 604145.

Allele frequency attached by ClinVar (database versions not stated): gnomAD exomes below 0.00001; TOPMed below 0.00001; ExAC 0.00001; gnomAD 0.00001.
gnomAD v4.1: 1 of 1,573,886 alleles (0.000064%); highest among the groups gnomAD compares: East Asian, 0.0022%; no homozygotes.

Submissions (4):

Ambry Genetics
Classification: Likely benign for Cardiovascular phenotype. Last evaluated: 2026-04-14. Review status: criteria provided, single submitter. Criteria: Ambry Variant Classification Scheme 2023. Collection method: clinical testing. Allele origin: germline.

Labcorp Genetics (formerly Invitae), Labcorp
Classification: Likely benign for Dilated cardiomyopathy 1G; Autosomal recessive limb-girdle muscular dystrophy type 2J. Last evaluated: 2025-02-09. Review status: criteria provided, single submitter. Criteria: Invitae Variant Classification Sherloc (09022015). Collection method: clinical testing. Allele origin: germline.

Blueprint Genetics
Classification: Likely benign. Last evaluated: 2021-01-20. Review status: criteria provided, single submitter. Criteria: ACMG Guidelines, 2015. Collection method: clinical testing. Allele origin: germline.

Laboratory for Molecular Medicine, Mass General Brigham Personalized Medicine
Classification: Likely benign. Last evaluated: 2012-11-05. Review status: criteria provided, single submitter. Criteria: LMM Criteria. Collection method: clinical testing. Allele origin: germline. Observed: 1 variant allele.
Comment: Val18470Val in exon 253 of TTN: This variant is not expected to have clinical si gnificance because it does not alter an amino acid residue and is not located wi thin the splice consensus sequence (dbSNP rs201642579). Val18470Val in exon 25 3 of TTN (rs201642579; allele frequency = n/a)